The following is an entry in ClinVar:

ClinVar aggregate classification (germline): Uncertain significance. Review status: criteria provided, multiple submitters, no conflicts (2 of 4 stars). 5 submissions from 5 submitters: Uncertain significance (4). 1 of the submissions does not count toward it. Last evaluated 2026-08-07.

Conditions:
Cardiovascular phenotype. Identifiers: MedGen CN230736.
COL1A1-related disorder. Also called: COL1A1-related condition; COL1A1- related disease.
Osteogenesis imperfecta type I (OI1). Also called: OI, TYPE I; OSTEOGENESIS IMPERFECTA TARDA; OSTEOGENESIS IMPERFECTA WITH BLUE SCLERAE; Osteogenesis imperfecta type 1; Lobstein's Disease; Lobstein disease. Identifiers: Orphanet 216796, Orphanet 666, MedGen C0023931, MONDO:0008146, OMIM 166200. Disease mechanism: loss of function.

Allele frequency attached by ClinVar (database versions not stated): gnomAD 0.00004 and 0.00003; gnomAD exomes 0.00001; TOPMed 0.00001; ExAC 0.00013.
gnomAD v4.1: 17 of 1,540,836 alleles (0.0011%); highest among the groups gnomAD compares: Admixed American, 0.0059%; no homozygotes.

Submissions (5):

GeneDx
Classification: Uncertain significance. Last evaluated: 2026-08-07. Review status: criteria provided, single submitter. Criteria: GeneDx Variant Classification Process June 2021. Collection method: clinical testing. Allele origin: germline.
Comment: Has not been previously published as pathogenic or benign to our knowledge; Not observed at significant frequency in large population cohorts (gnomAD); In silico analysis supports that this missense variant has a deleterious effect on protein structure/function; Not located in the triple helical region, where the majority of pathogenic missense variants occur (HGMD); This variant is associated with the following publications: (PMID: 33726816)

Ambry Genetics
Classification: Uncertain significance for Cardiovascular phenotype. Last evaluated: 2025-12-15. Review status: criteria provided, single submitter. Criteria: Ambry Variant Classification Scheme 2023. Collection method: clinical testing. Allele origin: germline.
Comment: The p.D132G variant (also known as c.395A>G), located in coding exon 5 of the COL1A1 gene, results from an A to G substitution at nucleotide position 395. The aspartic acid at codon 132 is replaced by glycine, an amino acid with similar properties. This amino acid position is highly conserved in available vertebrate species. In addition, this alteration is predicted to be deleterious by in silico analysis. Based on the available evidence, the clinical significance of this variant remains unclear.

Labcorp Genetics (formerly Invitae), Labcorp
Classification: Uncertain significance for Osteogenesis imperfecta type I. Last evaluated: 2025-11-23. Review status: criteria provided, single submitter. Criteria: Invitae Variant Classification Sherloc (09022015). Collection method: clinical testing. Allele origin: germline.
Comment: This sequence change replaces aspartic acid, which is acidic and polar, with glycine, which is neutral and non-polar, at codon 132 of the COL1A1 protein (p.Asp132Gly). This variant is present in population databases (rs746847841, gnomAD 0.004%). This variant has not been reported in the literature in individuals affected with COL1A1-related conditions. ClinVar contains an entry for this variant (Variation ID: 1313123). Invitae Evidence Modeling of protein sequence and biophysical properties (such as structural, functional, and spatial information, amino acid conservation, physicochemical variation, residue mobility, and thermodynamic stability) indicates that this missense variant is expected to disrupt COL1A1 protein function with a positive predictive value of 95%. In summary, the available evidence is currently insufficient to determine the role of this variant in disease. Therefore, it has been classified as a Variant of Uncertain Significance.

Blueprint Genetics
Classification: Uncertain significance. Last evaluated: 2023-12-14. Review status: criteria provided, single submitter. Criteria: ACMG Guidelines, 2015. Collection method: clinical testing. Allele origin: germline.

PreventionGenetics, part of Exact Sciences
Classification: Uncertain significance for COL1A1-related condition. Last evaluated: 2023-11-27. Review status: no assertion criteria provided. Collection method: clinical testing. Allele origin: germline. Not counted in ClinVar's aggregate classification.
Comment: The COL1A1 c.395A>G variant is predicted to result in the amino acid substitution p.Asp132Gly. This variant was reported in an individual with an unspecified phenotype (Table S7, Stranneheim et al. 2021. PubMed ID: 33726816). This variant is reported in 0.0038% of alleles in individuals of European (Non-Finnish) descent in gnomAD. At this time, the clinical significance of this variant is uncertain due to the absence of conclusive functional and genetic evidence.

NM_000088.4(COL1A1):c.395A>G (p.Asp132Gly)

Gene: COL1A1 (collagen type I alpha 1 chain; minus strand). Cytogenetic location: 17q21.33.
Variant type: single nucleotide variant.
Coding change: c.395A>G on transcript NM_000088.4 (MANE Select); coding-DNA position 395, A replaced by G.
Protein change: p.Asp132Gly; replaces aspartic acid 132 with glycine.
Molecular consequence: missense variant.
Genome position (GRCh38, 1-based): chr17:50,199,302, T>C on the plus strand (A>G on the coding strand, the complement: COL1A1 is on the minus strand). VCF-style: chr17-50199302-T-C. GRCh37 (hg19) VCF-style: chr17-48276663-T-C.
Other names: short protein forms D132G.
Identifiers: ClinVar variation 1313123 (VCV001313123.11), dbSNP rs746847841, ClinGen allele CA8645706.